The following is an entry in ClinVar:

ClinVar aggregate classification (germline): Pathogenic/Likely pathogenic. Review status: criteria provided, multiple submitters, no conflicts (2 of 4 stars). 2 submissions from 2 submitters: Pathogenic (1); Likely pathogenic (1). Last evaluated 2025-07-18.

Conditions:
Autosomal recessive RPGRIP1-related disorders.
Cone-rod dystrophy 13 (CORD13). Identifiers: Orphanet 1872, MedGen C2750720, MONDO:0011987, OMIM 608194.
Leber congenital amaurosis 6 (LCA6). Identifiers: Orphanet 65, MedGen C1854260, MONDO:0013446, OMIM 613826.

Submissions (2):

Variantyx, Inc.
Classification: Likely pathogenic for Autosomal recessive RPGRIP1-related disorders. Last evaluated: 2025-07-18. Review status: criteria provided, single submitter. Criteria: Variantyx Assertion Criteria 2022. Collection method: clinical testing. Allele origin: germline. Inheritance: Autosomal recessive inheritance. Affected: yes.
Comment: This is a frameshift variant in the RPGRIP1 gene (OMIM: 605446). Pathogenic variants in this gene have been associated with autosomal recessive RPGRIP1-related disorders. This variant introduces a premature termination codon in exon 8 out of 25 and is expected to result in loss of function, which is a known disease mechanism for RPGRIP1 in this disorder (PMID: 11528500, 23105016) (PVS1). This variant has a 0.0001% maximum allele frequency in non-founder control populations (PM2). Based on the current evidence, this variant is classified as likely pathogenic for autosomal recessive RPGRIP1-related disorders.

Labcorp Genetics (formerly Invitae), Labcorp
Classification: Pathogenic for Leber congenital amaurosis 6; Cone-rod dystrophy 13. Last evaluated: 2025-03-25. Review status: criteria provided, single submitter. Criteria: Invitae Variant Classification Sherloc (09022015). Collection method: clinical testing. Allele origin: germline.
Comment: This sequence change creates a premature translational stop signal (p.Val300Phefs*16) in the RPGRIP1 gene. It is expected to result in an absent or disrupted protein product. Loss-of-function variants in RPGRIP1 are known to be pathogenic (PMID: 11528500, 23105016). This variant is not present in population databases (gnomAD no frequency). This variant has not been reported in the literature in individuals affected with RPGRIP1-related conditions. For these reasons, this variant has been classified as Pathogenic.

Literature cited by the submitters: PubMed 11528500 (cited by Variantyx, Inc. and Labcorp Genetics (formerly Invitae), Labcorp); PubMed 23105016 (cited by Variantyx, Inc. and Labcorp Genetics (formerly Invitae), Labcorp).

NM_020366.4(RPGRIP1):c.897del (p.Val300fs)

Gene: RPGRIP1 (RPGR interacting protein 1; plus strand). Cytogenetic location: 14q11.2.
Variant type: Deletion.
Coding change: c.897del on transcript NM_020366.4 (MANE Select); coding-DNA position 897, one base deleted (A; older notation c.897delA).
Protein change: p.Val300fs; shifts the reading frame from valine 300.
Molecular consequence: frameshift variant.
Genome position (GRCh38, 1-based): chr14:21,307,827, A deleted; the last of 2 consecutive A bases (chr14:21,307,826-21,307,827); deleting either gives the same sequence. VCF-style (leftmost placement, unchanged base first): chr14-21307825-GA-G. GRCh37 (hg19) VCF-style: chr14-21775984-GA-G.
Other names: short protein forms V300fs.
Identifiers: ClinVar variation 4784523 (VCV004784523.2).